The following is an entry in ClinVar:

NM_007294.4(BRCA1):c.5333-221C>A

Gene: BRCA1 (BRCA1 DNA repair associated; minus strand). Cytogenetic location: 17q21.31.
Variant type: single nucleotide variant.
Coding change: c.5333-221C>A on transcript NM_007294.4 (MANE Select); 221 bases into the intron before coding-DNA position 5333, C replaced by A.
Molecular consequence: intron variant.
Genome position (GRCh38, 1-based): chr17:43,049,415, G>T on the plus strand (C>A on the coding strand, the complement: BRCA1 is on the minus strand). VCF-style: chr17-43049415-G-T. GRCh37 (hg19) VCF-style: chr17-41201432-G-T.
Other names: IVS 21-221C>A; c.1880-221C>A (NM_001408458.1, NM_001408461.1, NM_001408464.1 and 7 more transcripts); c.4442-221C>A (NM_001407967.1); c.4952-221C>A (NM_001407959.1); c.5066-221C>A (NM_001407931.1, NM_001407932.1, NM_001407928.1 and 4 more transcripts); c.5189-221C>A (NM_001407747.1, NM_001407745.1, NM_001407737.1 and 18 more transcripts); c.4949-221C>A (NM_001407962.1, NM_001407960.1); c.1520-221C>A (NM_001408512.1); and 85 more.
Identifiers: ClinVar variation 209249 (VCV000209249.8), dbSNP rs8176304, ClinGen allele CA276221.
Genomic context (GRCh38, chr17:43,049,415, plus strand): 5'-TGGATTTTAAGTCAATTTGCCACTGATATGCCATGTACTCTGGTTATCAGTCTCCATAAG[G>T]CCACTTGGTATAAGGTTTGATAGTCTCTCAAATAAAATGCTTGAAAGAAAAAAAAATCAA-3'

ClinVar aggregate classification (germline): Benign. Review status: reviewed by expert panel (3 of 4 stars). 4 submissions from 4 submitters: Benign (1). 3 of the submissions do not count toward it. Last evaluated 2015-01-12.

Conditions:
Breast-ovarian cancer, familial, susceptibility to, 1 (BROVCA1). Also called: BRCA1 Hereditary Breast and Ovarian Cancer; OVARIAN CANCER, SUSCEPTIBILITY TO. Identifiers: Orphanet 145, MedGen C2676676, MONDO:0011450, OMIM 604370. Disease mechanism: loss of function.
Hereditary cancer-predisposing syndrome. Also called: Tumor predisposition; Hereditary Cancer Syndrome; Neoplastic Syndromes, Hereditary; Hereditary neoplastic syndrome. Identifiers: Orphanet 140162, MedGen C0027672, MeSH D009386, MONDO:0015356.

Allele frequency attached by ClinVar (database versions not stated): TOPMed 0.00428; gnomAD 0.00441 and 0.00476; 1000 Genomes Project 0.00559; 1000 Genomes Project 30x 0.00640.
gnomAD v4.1: 668 of 152,104 alleles (0.44%); highest among the groups gnomAD compares: African/African-American, 1.5%; 6 homozygotes.

Submissions (4):

Evidence-based Network for the Interpretation of Germline Mutant Alleles (ENIGMA)
Classification: Benign for Breast-ovarian cancer, familial 1. Last evaluated: 2015-01-12. Review status: reviewed by expert panel. Criteria: ENIGMA BRCA1/2 Classification Criteria (2015). Collection method: curation. Allele origin: germline.
Comment: Class 1 not pathogenic based on frequency >1% in an outbred sampleset. Frequency 0.01423 (African), derived from 1000 genomes (2012-04-30).

GeneDx
Classification: Likely benign. Last evaluated: 2018-06-23. Review status: criteria provided, single submitter. Criteria: GeneDx Variant Classification Process June 2021. Collection method: clinical testing. Allele origin: germline. Affected: yes. Not counted in ClinVar's aggregate classification.

Color Diagnostics, LLC DBA Color Health
Classification: Benign for Hereditary cancer-predisposing syndrome. Last evaluated: 2015-05-18. Review status: criteria provided, single submitter. Criteria: ACMG Guidelines, 2015. Collection method: clinical testing. Allele origin: germline. Not counted in ClinVar's aggregate classification.

University of Washington Department of Laboratory Medicine, University of Washington
Classification: Likely benign for Hereditary cancer-predisposing syndrome. Last evaluated: 2015-12-01. Review status: no assertion criteria provided. Collection method: clinical testing. Allele origin: germline. Affected: yes. Not counted in ClinVar's aggregate classification.